The following is an entry in ClinVar:

NM_006218.4(PIK3CA):c.2207T>G (p.Val736Gly)

Gene: PIK3CA (phosphatidylinositol-4,5-bisphosphate 3-kinase catalytic subunit alpha; plus strand). Cytogenetic location: 3q26.32.
Variant type: single nucleotide variant.
Coding change: c.2207T>G on transcript NM_006218.4 (MANE Select); coding-DNA position 2207, T replaced by G.
Protein change: p.Val736Gly; replaces valine 736 with glycine.
Molecular consequence: missense variant.
Genome position (GRCh38, 1-based): chr3:179,224,100, T>G. VCF-style: chr3-179224100-T-G. GRCh37 (hg19) VCF-style: chr3-178941888-T-G.
Other names: short protein forms V736G.
Identifiers: ClinVar variation 1787708 (VCV001787708.2), dbSNP rs766847142, ClinGen allele CA355270212.

ClinVar aggregate classification (germline): Uncertain significance (1 of 4 stars; one submission).

Conditions:
Inborn genetic diseases. Identifiers: MedGen C0950123, MeSH D030342.

Submission:

Ambry Genetics
Classification: Uncertain significance for Inborn genetic diseases. Last evaluated: 2022-03-01. Review status: criteria provided, single submitter. Criteria: Ambry Variant Classification Scheme 2023. Collection method: clinical testing. Allele origin: germline.
Comment: The p.V736G variant (also known as c.2207T>G), located in coding exon 14 of the PIK3CA gene, results from a T to G substitution at nucleotide position 2207. The valine at codon 736 is replaced by glycine, an amino acid with dissimilar properties. This amino acid position is conserved. In addition, this alteration is predicted to be deleterious by in silico analysis. Since supporting evidence is limited at this time, the clinical significance of this alteration remains unclear.